The following is an entry in ClinVar:

NM_172107.4(KCNQ2):c.1185G>A (p.Arg395=)

Gene: KCNQ2 (potassium voltage-gated channel subfamily Q member 2; minus strand). Cytogenetic location: 20q13.33.
Variant type: single nucleotide variant.
Coding change: c.1185G>A on transcript NM_172107.4 (MANE Select); coding-DNA position 1185, G replaced by A.
Protein change: p.Arg395=; no amino-acid change (arginine 395 retained).
Molecular consequence: synonymous variant.
Genome position (GRCh38, 1-based): chr20:63,428,399, C>T on the plus strand (G>A on the coding strand, the complement: KCNQ2 is on the minus strand). VCF-style: chr20-63428399-C-T. GRCh37 (hg19) VCF-style: chr20-62059752-C-T.
Other names: p.R395R:AGG>AGA; c.1185G>A, p.Arg395= (NM_001382235.1, NM_001439003.1, NM_172106.3 and 1 more transcripts); c.1155G>A, p.Arg385= (NM_001439004.1, NM_004518.6).
Identifiers: ClinVar variation 129330 (VCV000129330.45), dbSNP rs35430888, ClinGen allele CA288920.
Genomic context (GRCh38, chr20:63,428,399, plus strand): 5'-CCGCCCCACCTGGAGCTCCCCAGCTGACCTGAAAGCGAGTCCAGATTTACTCTTGAGGTT[C>T]CTCAGCAGCTCCAGCTGGTTCAGCGGGGGGATAAGTCTGGGGCAAGAGAAGGAGAGGGGA-3'
Protein context (NP_742105.1, residues 385-405): IPPLNQLELL[Arg395=]NLKSKSGLAF

ClinVar aggregate classification (germline): Benign/Likely benign. Review status: criteria provided, multiple submitters, no conflicts (2 of 4 stars). 9 submissions from 9 submitters: Benign (5); Likely benign (4). Last evaluated 2026-09-01.

Conditions:
Early-infantile DEE. Also called: Early infantile epileptic encephalopathy; Early infantile epileptic encephalopathy with suppression bursts; Ohtahara syndrome. Identifiers: Orphanet 1934, MedGen C0393706, MONDO:0800491.
Inborn genetic diseases. Identifiers: MedGen C0950123, MeSH D030342.

Allele frequency attached by ClinVar (database versions not stated): gnomAD 0.00050 and 0.00052; TOPMed 0.00061; ExAC 0.00108; 1000 Genomes Project 30x 0.00031; 1000 Genomes Project 0.00040; ESP Exome Variant Server 0.00039; gnomAD exomes 0.00044 and 0.00061.
gnomAD v4.1: 720 of 1,586,112 alleles (0.045%); highest among the groups gnomAD compares: Admixed American, 0.15%; no homozygotes.

Submissions (9):

CeGaT Center for Human Genetics Tuebingen
Classification: Likely benign. Last evaluated: 2026-09-01. Review status: criteria provided, single submitter. Criteria: CeGaT Center For Human Genetics Tuebingen Variant Classification Criteria Version 2. Collection method: clinical testing. Allele origin: germline. Affected: yes. Observed: 7 variant alleles.
Comment: KCNQ2: BP4, BP7, BS1

Women's Health and Genetics/Laboratory Corporation of America, LabCorp
Classification: Likely benign. Last evaluated: 2026-05-08. Review status: criteria provided, single submitter. Criteria: LabCorp Variant Classification Summary - May 2015. Collection method: clinical testing. Allele origin: germline.

Labcorp Genetics (formerly Invitae), Labcorp
Classification: Benign for Early-infantile DEE. Last evaluated: 2026-01-22. Review status: criteria provided, single submitter. Criteria: Invitae Variant Classification Sherloc (09022015). Collection method: clinical testing. Allele origin: germline.

Blueprint Genetics
Classification: Likely benign. Last evaluated: 2024-11-05. Review status: criteria provided, single submitter. Criteria: ACMG Guidelines, 2015. Collection method: clinical testing. Allele origin: germline.

Ambry Genetics
Classification: Likely benign for Inborn genetic diseases. Last evaluated: 2017-12-15. Review status: criteria provided, single submitter. Criteria: Ambry Variant Classification Scheme 2023. Collection method: clinical testing. Allele origin: germline.

Eurofins Ntd Llc (ga)
Classification: Benign. Last evaluated: 2015-06-10. Review status: criteria provided, single submitter. Criteria: EGL Classification Definitions 2015. Collection method: clinical testing. Allele origin: germline. Observed: 1 variant allele, 1 heterozygote.

GeneDx
Classification: Benign. Last evaluated: 2014-01-15. Review status: criteria provided, single submitter. Criteria: GeneDx Variant Classification (06012015). Collection method: clinical testing. Allele origin: germline. Affected: yes.
Comment: This variant is considered likely benign or benign based on one or more of the following criteria: it is a conservative change, it occurs at a poorly conserved position in the protein, it is predicted to be benign by multiple in silico algorithms, and/or has population frequency not consistent with disease.

Genetic Services Laboratory, University of Chicago
Classification: Benign for AllHighlyPenetrant. Last evaluated: 2013-06-11. Review status: criteria provided, single submitter. Criteria: ACMG Guidelines, 2007. Collection method: clinical testing. Allele origin: germline. Inheritance: Autosomal dominant inheritance.

Breakthrough Genomics
Classification: Benign. Review status: criteria provided, single submitter. Criteria: ACMG Guidelines, 2015. Collection method: not provided. Allele origin: germline. Inheritance: Autosomal dominant inheritance. Affected: yes.